The following is an entry in ClinVar:

ClinVar aggregate classification (germline): Conflicting classifications of pathogenicity. Review status: criteria provided, conflicting classifications (1 of 4 stars). 3 submissions from 3 submitters: Uncertain significance (2); Likely benign (1). Last evaluated 2025-12-22.

Conditions:
Immunodeficiency 14 (IMD14A). Also called: ACTIVATED PI3K-DELTA SYNDROME 1; IMMUNODEFICIENCY 14A WITH LYMPHOPROLIFERATION, AUTOSOMAL DOMINANT; Activated PI3K Delta Syndrome Type 1 (APDS1); p110-DELTA-ACTIVATING MUTATION CAUSING SENESCENT T CELLS, LYMPHADENOPATHY, AND IMMUNODEFICIENCY. Identifiers: Orphanet 397596, Orphanet 693661, MedGen C5907821, MONDO:0014222, OMIM 615513.
Inborn genetic diseases. Identifiers: MedGen C0950123, MeSH D030342.

Allele frequency attached by ClinVar (database versions not stated): gnomAD 0.00001 and 0.00002; gnomAD exomes 0.00004 and 0.00007; ExAC 0.00006.
gnomAD v4.1: 48 of 1,285,626 alleles (0.0037%); highest among the groups gnomAD compares: East Asian, 0.16%; no homozygotes.

Submissions (3):

Labcorp Genetics (formerly Invitae), Labcorp
Classification: Uncertain significance for Activated PI3K-delta syndrome. Last evaluated: 2025-12-22. Review status: criteria provided, single submitter. Criteria: Invitae Variant Classification Sherloc (09022015). Collection method: clinical testing. Allele origin: germline.
Comment: This sequence change replaces arginine, which is basic and polar, with glutamine, which is neutral and polar, at codon 496 of the PIK3CD protein (p.Arg496Gln). This variant is present in population databases (rs761958757, gnomAD 0.05%). This variant has not been reported in the literature in individuals affected with PIK3CD-related conditions. ClinVar contains an entry for this variant (Variation ID: 1057795). Invitae Evidence Modeling of protein sequence and biophysical properties (such as structural, functional, and spatial information, amino acid conservation, physicochemical variation, residue mobility, and thermodynamic stability) indicates that this missense variant is not expected to disrupt PIK3CD protein function with a negative predictive value of 80%. In summary, the available evidence is currently insufficient to determine the role of this variant in disease. Therefore, it has been classified as a Variant of Uncertain Significance.

Ambry Genetics
Classification: Uncertain significance for Inborn genetic diseases. Last evaluated: 2023-03-02. Review status: criteria provided, single submitter. Criteria: Ambry Variant Classification Scheme 2023. Collection method: clinical testing. Allele origin: germline.

Blueprint Genetics
Classification: Likely benign. Last evaluated: 2022-09-05. Review status: criteria provided, single submitter. Criteria: ACMG Guidelines, 2015. Collection method: clinical testing. Allele origin: germline.

NM_005026.5(PIK3CD):c.1487G>A (p.Arg496Gln)

Gene: PIK3CD (phosphatidylinositol-4,5-bisphosphate 3-kinase catalytic subunit delta; plus strand). Cytogenetic location: 1p36.22.
Variant type: single nucleotide variant.
Coding change: c.1487G>A on transcript NM_005026.5 (MANE Select); coding-DNA position 1487, G replaced by A.
Protein change: p.Arg496Gln; replaces arginine 496 with glutamine.
Molecular consequence: missense variant.
Genome position (GRCh38, 1-based): chr1:9,720,627, G>A. VCF-style: chr1-9720627-G-A. GRCh37 (hg19) VCF-style: chr1-9780685-G-A.
Other names: c.1487G>A (NM_005026.3); c.1487G>A, p.Arg496Gln (NM_001350234.2); c.1400G>A, p.Arg467Gln (NM_001350235.1); short protein forms R467Q, R496Q.
Identifiers: ClinVar variation 1057795 (VCV001057795.10), dbSNP rs761958757, ClinGen allele CA577232.